The following is an entry in ClinVar:

NM_015057.5(MYCBP2):c.2176G>A (p.Gly726Arg)

Gene: MYCBP2 (MYC binding protein 2; minus strand). Cytogenetic location: 13q22.3.
Variant type: single nucleotide variant.
Coding change: c.2176G>A on transcript NM_015057.5 (MANE Select); coding-DNA position 2176, G replaced by A.
Protein change: p.Gly726Arg; replaces glycine 726 with arginine.
Molecular consequence: missense variant.
Genome position (GRCh38, 1-based): chr13:77,257,671, C>T on the plus strand (G>A on the coding strand, the complement: MYCBP2 is on the minus strand). VCF-style: chr13-77257671-C-T. GRCh37 (hg19) VCF-style: chr13-77831806-C-T.
Other names: short protein forms G726R.
Identifiers: ClinVar variation 3731090 (VCV003731090.1).

ClinVar aggregate classification (germline): Uncertain significance (1 of 4 stars; one submission).

Submission:

GeneDx
Classification: Uncertain significance. Last evaluated: 2024-08-13. Review status: criteria provided, single submitter. Criteria: GeneDx Variant Classification Process June 2021. Collection method: clinical testing. Allele origin: germline. Affected: yes.
Comment: Not observed at significant frequency in large population cohorts (gnomAD); In silico analysis supports a deleterious effect on splicing; In silico analysis indicates that this missense variant does not alter protein structure/function; Has not been previously published as pathogenic or benign to our knowledge